The following is an entry in ClinVar:

ClinVar aggregate classification (germline): Uncertain significance (1 of 4 stars; one submission).

gnomAD v4.1: 3 of 1,612,292 alleles (0.00019%); highest among the groups gnomAD compares: Non-Finnish European, 0.00025%; no homozygotes.

Submission:

Labcorp Genetics (formerly Invitae), Labcorp
Classification: Uncertain significance. Last evaluated: 2023-05-27. Review status: criteria provided, single submitter. Criteria: Invitae Variant Classification Sherloc (09022015). Collection method: clinical testing. Allele origin: germline.
Comment: This sequence change replaces threonine, which is neutral and polar, with isoleucine, which is neutral and non-polar, at codon 28 of the ATR protein (p.Thr28Ile). This variant is not present in population databases (gnomAD no frequency). This variant has not been reported in the literature in individuals affected with ATR-related conditions. An algorithm developed to predict the effect of missense changes on protein structure and function (PolyPhen-2) suggests that this variant is likely to be tolerated. In summary, the available evidence is currently insufficient to determine the role of this variant in disease. Therefore, it has been classified as a Variant of Uncertain Significance.

NM_001184.4(ATR):c.83C>T (p.Thr28Ile)

Gene: ATR (ATR checkpoint kinase; minus strand). Cytogenetic location: 3q23.
Variant type: single nucleotide variant.
Coding change: c.83C>T on transcript NM_001184.4 (MANE Select); coding-DNA position 83, C replaced by T.
Protein change: p.Thr28Ile; replaces threonine 28 with isoleucine.
Molecular consequence: missense variant.
Genome position (GRCh38, 1-based): chr3:142,568,131, G>A on the plus strand (C>T on the coding strand, the complement: ATR is on the minus strand). VCF-style: chr3-142568131-G-A. GRCh37 (hg19) VCF-style: chr3-142286973-G-A.
Other names: c.83C>T, p.Thr28Ile (NM_001354579.2); short protein forms T28I.
Identifiers: ClinVar variation 2882425 (VCV002882425.3), dbSNP rs578209052, ClinGen allele CA84759225.
Genomic context (GRCh38, chr3:142,568,131, plus strand): 5'-ACATCTGTAAGTATCCGGTCAATGAATTGACACAGAATTTGTCTTGGCTTCTGTACAACT[G>A]TATTATATTCCTCTGGTGTGGCACTAAAATACAAATTAAAAGCTTTTAATCCTTAAAGTG-3'
Protein context (NP_001175.2, residues 18-38): LGSATPEEYN[Thr28Ile]VVQKPRQILC